The following is an entry in ClinVar:

ClinVar aggregate classification (germline): Pathogenic (1 of 4 stars; one submission).

Conditions:
Nemaline myopathy 2 (NEM2). Also called: Nemaline myopathy 2, autosomal recessive. Identifiers: MedGen C1850569, MONDO:0009725, OMIM 256030.

Submission:

Rady Children's Institute for Genomic Medicine, Rady Children's Hospital San Diego
Classification: Pathogenic for NEMALINE MYOPATHY 2. Last evaluated: 2018-02-08. Review status: criteria provided, single submitter. Criteria: ACMG Guidelines, 2015. Collection method: clinical testing. Allele origin: germline. Affected: yes. Observed: 1 variant allele.
Comment: This stop-gain variant that is predicted to result in premature termination of the nemaline protein. This variant has not been previously reported in the literature to our knowledge, but other pathogenic stop-gain changes have been reported in the literature in association with nemaline myopathy (PMID: 25205138, 29669168). In addition, this variant is not present in the SNP databases. Based on the overall evidence, we classified the p.Gln313Ter variant as pathogenic.

NM_001164508.2(NEB):c.937C>T (p.Gln313Ter)

Gene: NEB (nebulin; minus strand). Cytogenetic location: 2q23.3.
Variant type: single nucleotide variant.
Coding change: c.937C>T on transcript NM_001164508.2 (MANE Select); coding-DNA position 937, C replaced by T.
Protein change: p.Gln313Ter; replaces glutamine 313 with a stop codon.
Molecular consequence: nonsense.
Genome position (GRCh38, 1-based): chr2:151,709,754, G>A on the plus strand (C>T on the coding strand, the complement: NEB is on the minus strand). VCF-style: chr2-151709754-G-A. GRCh37 (hg19) VCF-style: chr2-152566268-G-A.
Other names: c.937C>T, p.Gln313Ter (NM_001164507.2, NM_001271208.2, NM_004543.5); short protein forms Q313*.
Identifiers: ClinVar variation 692009 (VCV000692009.1), dbSNP rs1577253760, ClinGen allele CA348786381.